The following is an entry in ClinVar:

NM_001395159.1(UNC79):c.3828A>G (p.Gln1276=)

Gene: UNC79 (unc-79 subunit of NALCN channel complex; plus strand). Cytogenetic location: 14q32.12.
Variant type: single nucleotide variant.
Coding change: c.3828A>G on transcript NM_001395159.1 (MANE Select); coding-DNA position 3828, A replaced by G.
Protein change: p.Gln1276=; no amino-acid change (glutamine 1276 retained).
Molecular consequence: synonymous variant.
Genome position (GRCh38, 1-based): chr14:93,612,804, A>G. VCF-style: chr14-93612804-A-G. GRCh37 (hg19) VCF-style: chr14-94079150-A-G.
Other names: c.3231A>G, p.Gln1077= (NM_020818.5); c.3762A>G, p.Gln1254= (NM_001346218.2).
Identifiers: ClinVar variation 2644477 (VCV002644477.24), dbSNP rs967596948, ClinGen allele CA265810181.

ClinVar aggregate classification (germline): Likely benign (1 of 4 stars; one submission).

Allele frequency attached by ClinVar (database versions not stated): gnomAD exomes below 0.00001; TOPMed below 0.00001.
gnomAD v4.1: 7 of 1,612,792 alleles (0.00043%); highest among the groups gnomAD compares: East Asian, 0.0022%; no homozygotes.

Submission:

CeGaT Center for Human Genetics Tuebingen
Classification: Likely benign. Last evaluated: 2022-12-01. Review status: criteria provided, single submitter. Criteria: CeGaT Center For Human Genetics Tuebingen Variant Classification Criteria Version 2. Collection method: clinical testing. Allele origin: germline. Affected: yes. Observed: 1 variant allele.
Comment: UNC79: PM2:Supporting, BP4, BP7